The following is an entry in ClinVar:

NM_001754.5(RUNX1):c.613+20G>T

Genes: RUNX1-AS1 (RUNX1 antisense RNA 1; plus strand), RUNX1 (RUNX family transcription factor 1; minus strand). Cytogenetic location: 21q22.12.
Variant type: single nucleotide variant.
Coding change: c.613+20G>T on transcript NM_001754.5 (MANE Select); 20 bases into the intron after coding-DNA position 613, G replaced by T.
Molecular consequence: intron variant.
Genome position (GRCh38, 1-based): chr21:34,859,454, C>A on the plus strand (G>T on the coding strand, the complement: RUNX1 is on the minus strand). VCF-style: chr21-34859454-C-A. GRCh37 (hg19) VCF-style: chr21-36231751-C-A.
Other names: c.532+20G>T (NM_001001890.3, NM_001122607.2).
Identifiers: ClinVar variation 1965125 (VCV001965125.6), dbSNP rs746204122, ClinGen allele CA10014471.

ClinVar aggregate classification (germline): Likely benign. Review status: reviewed by expert panel (3 of 4 stars). 2 submissions from 2 submitters: Likely benign (1). 1 of the submissions does not count toward it. Last evaluated 2024-09-18.

Conditions:
Hereditary thrombocytopenia and hematologic cancer predisposition syndrome. Identifiers: Orphanet 71290, MedGen CN281654, MONDO:0011071.
Hereditary thrombocytopenia and hematological cancer predisposition syndrome associated with RUNX1. Also called: RUNX1 Familial Platelet Disorder with Associated Myeloid Malignancies; Familial Platelet Disorder with Propensity to Acute Myelogenous Leukemia; Familial thrombocytopenia with propensity to acute myelogenous leukemia; PLATELET DISORDER, ASPIRIN-LIKE. Identifiers: Orphanet 71290, MedGen C1832388, MeSH C563324, MONDO:0100083, OMIM 601399.

Allele frequency attached by ClinVar (database versions not stated): gnomAD exomes below 0.00001; ExAC 0.00001.
gnomAD v4.1: 1 of 1,540,880 alleles (0.000065%); highest among the groups gnomAD compares: Admixed American, 0.0017%; no homozygotes.

Submissions (2):

ClinGen Myeloid Malignancy Variant Curation Expert Panel
Classification: Likely benign for Hereditary thrombocytopenia and hematologic cancer predisposition syndrome. Last evaluated: 2024-09-18. Review status: reviewed by expert panel. Criteria: ClinGen MyeloMalig ACMG Specifications v2. Collection method: curation. Allele origin: germline. Inheritance: Autosomal dominant inheritance.
Comment: NM_001754.5(RUNX1):c.613+20G>T is an intronic variant which is not predicted by SpliceAI to impact splicing (BP4). Additionally, an evolutionary conservation algorithm predicts the site as not being highly conserved (PhyloP score = 1.29065 in GRCh38) (BP7). The highest population minor allele frequency in gnomAD v2 and v4 is 0.00002891 (1/34,590 alleles) and 0.00002241 (1/44,630 alleles), respectively, in the admixed American population. This variant has not been reported in the literature. In summary, this variant meets the criteria to be classified as likely benign for hereditary thrombocytopenia and hematologic cancer predisposition syndrome based on the ACMG/AMP criteria applied, as specified by the ClinGen Myeloid Malignancy VCEP: BP4 and BP7.

Labcorp Genetics (formerly Invitae), Labcorp
Classification: Likely benign for Hereditary thrombocytopenia and hematological cancer predisposition syndrome associated with RUNX1. Last evaluated: 2023-01-20. Review status: criteria provided, single submitter. Criteria: Invitae Variant Classification Sherloc (09022015). Collection method: clinical testing. Allele origin: germline. Not counted in ClinVar's aggregate classification.